The following is an entry in ClinVar:

ClinVar aggregate classification (germline): Pathogenic (1 of 4 stars; one submission).

Submission:

Labcorp Genetics (formerly Invitae), Labcorp
Classification: Pathogenic. Last evaluated: 2021-09-10. Review status: criteria provided, single submitter. Criteria: Invitae Variant Classification Sherloc (09022015). Collection method: clinical testing. Allele origin: germline.
Comment: This variant has not been reported in the literature in individuals affected with ADGRV1-related conditions. For these reasons, this variant has been classified as Pathogenic. This variant is not present in population databases (ExAC no frequency). This sequence change creates a premature translational stop signal (p.Gly3053Aspfs*2) in the ADGRV1 gene. It is expected to result in an absent or disrupted protein product. Loss-of-function variants in ADGRV1 are known to be pathogenic (PMID: 19357117, 22135276, 22147658, 26226137, 26667666, 30029497, 32467589).

Literature cited by the submitters: PubMed 19357117; PubMed 22135276; PubMed 22147658; PubMed 26226137; PubMed 26667666; PubMed 30029497; PubMed 32467589.

NM_032119.4(ADGRV1):c.9156del (p.Gly3053fs)

Gene: ADGRV1 (adhesion G protein-coupled receptor V1; plus strand). Cytogenetic location: 5q14.3.
Variant type: Deletion.
Coding change: c.9156del on transcript NM_032119.4 (MANE Select); coding-DNA position 9156, one base deleted (T; older notation c.9156delT).
Protein change: p.Gly3053fs; shifts the reading frame from glycine 3053.
Molecular consequence: frameshift variant. On other transcripts: non-coding transcript variant (1).
Genome position (GRCh38, 1-based): chr5:90,712,400, T deleted. VCF-style (leftmost placement, unchanged base first): chr5-90712399-CT-C. GRCh37 (hg19) VCF-style: chr5-90008216-CT-C.
Other names: short protein forms G3053fs.
Identifiers: ClinVar variation 1424664 (VCV001424664.6), dbSNP rs2149722710, ClinGen allele CA2573139991.